The following is an entry in ClinVar:

ClinVar aggregate classification (germline): Benign. Review status: criteria provided, multiple submitters, no conflicts (2 of 4 stars). 11 submissions from 11 submitters: Benign (10). 1 of the submissions does not count toward it. Last evaluated 2026-02-03.

Conditions:
Spinocerebellar ataxia type 11 (SCA11). Identifiers: Orphanet 98767, MedGen C1858351, MONDO:0011464, OMIM 604432.

Allele frequency attached by ClinVar (database versions not stated): gnomAD exomes 0.33314 and 0.36754; ExAC 0.37841; gnomAD 0.46763 and 0.47359; ESP Exome Variant Server 0.46943; TOPMed 0.48507; 1000 Genomes Project 0.51478; 1000 Genomes Project 30x 0.52108.
gnomAD v4.1: 559,155 of 1,612,962 alleles (35%); highest among the groups gnomAD compares: African/African-American, 87%; 109,937 homozygotes.

Submissions (11):

Labcorp Genetics (formerly Invitae), Labcorp
Classification: Benign. Last evaluated: 2026-02-03. Review status: criteria provided, single submitter. Criteria: Invitae Variant Classification Sherloc (09022015). Collection method: clinical testing. Allele origin: germline.

Blueprint Genetics
Classification: Benign. Last evaluated: 2024-11-27. Review status: criteria provided, single submitter. Criteria: ACMG Guidelines, 2015. Collection method: clinical testing. Allele origin: germline.

Mayo Clinic Laboratories, Mayo Clinic
Classification: Benign. Last evaluated: 2023-01-04. Review status: criteria provided, single submitter. Criteria: ACMG Guidelines, 2015. Collection method: clinical testing. Allele origin: germline. Observed: 267 variant alleles.
Comment: BA1, BP4

Genome-Nilou Lab
Classification: Benign for Spinocerebellar ataxia type 11. Last evaluated: 2021-09-10. Review status: criteria provided, single submitter. Criteria: ACMG Guidelines, 2015. Collection method: clinical testing. Allele origin: germline. Affected: no.

GeneDx
Classification: Benign. Last evaluated: 2021-05-05. Review status: criteria provided, single submitter. Criteria: GeneDx Variant Classification Process June 2021. Collection method: clinical testing. Allele origin: germline. Affected: yes.
Comment: This variant is associated with the following publications: (PMID: 27573710)

Athena Diagnostics
Classification: Benign. Last evaluated: 2019-07-15. Review status: criteria provided, single submitter. Criteria: Athena Diagnostics Criteria. Collection method: clinical testing. Allele origin: germline.

Mendelics
Classification: Benign for Spinocerebellar ataxia type 11. Last evaluated: 2019-05-28. Review status: criteria provided, single submitter. Criteria: Mendelics Assertion Criteria 2017. Collection method: clinical testing. Allele origin: unknown.

Illumina Laboratory Services, Illumina
Classification: Benign for Spinocerebellar ataxia type 11. Last evaluated: 2018-01-12. Review status: criteria provided, single submitter. Criteria: ICSL Variant Classification Criteria 13 December 2019. Collection method: clinical testing. Allele origin: germline.
Comment: This variant was observed in the ICSL laboratory as part of a predisposition screen in an ostensibly healthy population. It had not been previously curated by ICSL or reported in the Human Gene Mutation Database (HGMD: prior to June 1st, 2018), and was therefore a candidate for classification through an automated scoring system. Utilizing variant allele frequency, disease prevalence and penetrance estimates, and inheritance mode, an automated score was calculated to assess if this variant is too frequent to cause the disease. Based on the score and internal cut-off values, a variant classified as benign is not then subjected to further curation. The score for this variant resulted in a classification of benign for this disease.

Eurofins Ntd Llc (ga)
Classification: Benign. Last evaluated: 2015-09-23. Review status: criteria provided, single submitter. Criteria: EGL Classification Definitions 2015. Collection method: clinical testing. Allele origin: germline. Observed: 1 variant allele, 1 heterozygote.

Breakthrough Genomics
Classification: Benign. Review status: criteria provided, single submitter. Criteria: ACMG Guidelines, 2015. Collection method: not provided. Allele origin: germline. Inheritance: Autosomal dominant inheritance. Affected: yes.

Genetic Services Laboratory, University of Chicago
Classification: Likely benign for AllHighlyPenetrant. Review status: no assertion criteria provided. Collection method: clinical testing. Allele origin: germline. Inheritance: Autosomal dominant inheritance. Not counted in ClinVar's aggregate classification.
Comment: Likely benign based on allele frequency in 1000 Genomes Project or ESP global frequency and its presence in a patient with a rare or unrelated disease phenotype. NOT Sanger confirmed.

Literature cited by the submitters: PubMed 19533200 (cited by Mayo Clinic Laboratories, Mayo Clinic); PubMed 27573710 (cited by Mayo Clinic Laboratories, Mayo Clinic).

NM_173500.4(TTBK2):c.23T>C (p.Leu8Pro)

Gene: TTBK2 (tau tubulin kinase 2; minus strand). Cytogenetic location: 15q15.2.
Variant type: single nucleotide variant.
Coding change: c.23T>C on transcript NM_173500.4 (MANE Select); coding-DNA position 23, T replaced by C.
Protein change: p.Leu8Pro; replaces leucine 8 with proline.
Molecular consequence: missense variant.
Genome position (GRCh38, 1-based): chr15:42,878,595, A>G on the plus strand (T>C on the coding strand, the complement: TTBK2 is on the minus strand). VCF-style: chr15-42878595-A-G. GRCh37 (hg19) VCF-style: chr15-43170793-A-G.
Other names: short protein forms L8P.
Identifiers: ClinVar variation 130646 (VCV000130646.25), dbSNP rs6493068, ClinGen allele CA155836.
Genomic context (GRCh38, chr15:42,878,595, plus strand): 5'-AGATGTACACTCACCACTTTCCATCTTTCTTTCACTAGGATTCCAACACTCAGGATATCC[A>G]GCTGCTCTCCTCCCCCACTCATTGCAATACACTGATATGGTAGAACAGCTACACAGGCAT-3'
Protein context (NP_775771.3, residues 1-18): MSGGGEQ[Leu8Pro]DILSVGILVK